The following is an entry in ClinVar:

ClinVar aggregate classification (germline): Uncertain significance (1 of 4 stars; one submission).

Conditions:
EGFR-related lung cancer (EGFR). Identifiers: MedGen CN130014.

gnomAD v4.1: 1 of 1,614,090 alleles (0.000062%); highest among the groups gnomAD compares: East Asian, 0.0022%; no homozygotes.

Submission:

Labcorp Genetics (formerly Invitae), Labcorp
Classification: Uncertain significance for EGFR-related lung cancer. Last evaluated: 2025-08-26. Review status: criteria provided, single submitter. Criteria: Invitae Variant Classification Sherloc (09022015). Collection method: clinical testing. Allele origin: germline.
Comment: This sequence change falls in intron 26 of the EGFR gene. It does not directly change the encoded amino acid sequence of the EGFR protein. It affects a nucleotide within the consensus splice site. This variant is not present in population databases (gnomAD no frequency). This variant has not been reported in the literature in individuals affected with EGFR-related conditions. Variants that disrupt the consensus splice site are a relatively common cause of aberrant splicing (PMID: 17576681, 9536098). Algorithms developed to predict the effect of sequence changes on RNA splicing suggest that this variant may disrupt the consensus splice site. In summary, the available evidence is currently insufficient to determine the role of this variant in disease. Therefore, it has been classified as a Variant of Uncertain Significance.

Literature cited by the submitters: PubMed 17576681; PubMed 9536098.

NM_005228.5(EGFR):c.3162+6T>C

Gene: EGFR (epidermal growth factor receptor; plus strand). Cytogenetic location: 7p11.2.
Variant type: single nucleotide variant.
Coding change: c.3162+6T>C on transcript NM_005228.5 (MANE Select); 6 bases into the intron after coding-DNA position 3162, T replaced by C.
Molecular consequence: intron variant.
Genome position (GRCh38, 1-based): chr7:55,201,788, T>C. VCF-style: chr7-55201788-T-C. GRCh37 (hg19) VCF-style: chr7-55269481-T-C.
Other names: c.3027+6T>C (NM_001346899.2, NM_001346897.2); c.2361+6T>C (NM_001346941.2); c.3162+6T>C (NM_001346898.2); c.3003+6T>C (NM_001346900.2).
Identifiers: ClinVar variation 4751716 (VCV004751716.1).
Genomic context (GRCh38, chr7:55,201,788, plus strand): 5'-TTTTCAGAGTGCAACCAGCAACAATTCCACCGTGGCTTGCATTGATAGAAATGGGGTATG[T>C]ATGAACACCTTATAAGCCAGAATTTACAGCTCTCCACTATGGCTCTATTTTACATGGAAA-3'